The following is an entry in ClinVar:

ClinVar aggregate classification (germline): Pathogenic/Likely pathogenic. Review status: criteria provided, multiple submitters, no conflicts (2 of 4 stars). 5 submissions from 5 submitters: Pathogenic (3); Likely pathogenic (1). 1 of the submissions does not count toward it. Last evaluated 2026-01-17.

Conditions:
Anauxetic dysplasia. Identifiers: Orphanet 93347, MedGen C1846796, MONDO:0011773.
RMRP-related disorder. Also called: RMRP-related condition.
Metaphyseal chondrodysplasia, McKusick type (CHH). Also called: Cartilage-Hair Hypoplasia (CHH); Cartilage-hair hypoplasia. Identifiers: Orphanet 175, MedGen C0220748, MONDO:0009595, OMIM 250250.

Submissions (5):

Labcorp Genetics (formerly Invitae), Labcorp
Classification: Pathogenic for Anauxetic dysplasia. Last evaluated: 2026-01-17. Review status: criteria provided, single submitter. Criteria: Invitae Variant Classification Sherloc (09022015). Collection method: clinical testing. Allele origin: germline.
Comment: This variant occurs in the RMRP gene, which encodes an RNA molecule that does not result in a protein product. This variant is present in population databases (no rsID available, gnomAD 0.002%). This variant has been observed in individuals with clinical features of RMRP-related conditions (PMID: 11207361, 12107819, 16244706; internal data). This variant is also known as 98dupTG and g.96_97dupTG. ClinVar contains an entry for this variant (Variation ID: 465213). Algorithms developed to predict the effect of variants on gene product structure and function are not available or were not evaluated for this variant. Experimental studies have shown that this variant affects RMRP function (PMID: 11207361, 17701897). For these reasons, this variant has been classified as Pathogenic.

Natera, Inc.
Classification: Likely pathogenic for Cartilage-hair hypoplasia. Last evaluated: 2025-01-16. Review status: criteria provided, single submitter. Criteria: Natera Variant Classification Schema (03/2026). Collection method: clinical testing. Allele origin: germline.
Comment: The n.97_98dupTG variant in RMRP is a frameshift variant predicted to shift the reading frame and introduce a stop codon. This variant is rare in the general population with a frequency below the threshold expected for the associated phenotype(s). This variant has been observed in one or more individuals affected with the associated recessive disease, as either homozygous or compound heterozygous with a second variant (PMID: 25596067, 32021596, 25616543, 16244706). Given the available evidence, this variant is classified as Likely Pathogenic.

Blueprint Genetics
Classification: Pathogenic for RMRP-related disorders. Last evaluated: 2023-12-29. Review status: criteria provided, single submitter. Criteria: ACMG Guidelines, 2015. Collection method: clinical testing. Allele origin: germline. Affected: yes. Observed: 2 variant alleles.

CeGaT Center for Human Genetics Tuebingen
Classification: Pathogenic. Last evaluated: 2022-07-01. Review status: criteria provided, single submitter. Criteria: CeGaT Center For Human Genetics Tuebingen Variant Classification Criteria Version 2. Collection method: clinical testing. Allele origin: germline. Affected: yes. Observed: 2 variant alleles.

OMIM
Classification: Pathogenic for CARTILAGE-HAIR HYPOPLASIA. Last evaluated: 2001-01-26. Review status: no assertion criteria provided. Collection method: literature only. Allele origin: germline. Not counted in ClinVar's aggregate classification.

Literature cited by the submitters: PubMed 11207361 (cited by Labcorp Genetics (formerly Invitae), Labcorp and OMIM); PubMed 12107819 (cited by Labcorp Genetics (formerly Invitae), Labcorp); PubMed 16244706 (cited by Labcorp Genetics (formerly Invitae), Labcorp and Natera, Inc.); PubMed 17701897 (cited by Labcorp Genetics (formerly Invitae), Labcorp); PubMed 25596067 (cited by Natera, Inc.); PubMed 32021596 (cited by Natera, Inc.); PubMed 25616543 (cited by Natera, Inc.).

NR_003051.4(RMRP):n.97_98dup

Gene: RMRP (RNA component of mitochondrial RNA processing endoribonuclease; minus strand). Cytogenetic location: 9p13.3.
Variant type: Duplication.
Genome position: GRCh38 VCF-style: chr9-35657920-G-GCA. GRCh37 (hg19) VCF-style: chr9-35657917-G-GCA.
Identifiers: ClinVar variation 465213 (VCV000465213.41), dbSNP rs1340624774, ClinGen allele CA587570253.